The following is an entry in ClinVar:

ClinVar aggregate classification (germline): Uncertain significance (1 of 4 stars; one submission).

Conditions:
Bethlem myopathy 1A. Also called: Bethlem Muscular Dystrophy; MYOPATHY, BENIGN CONGENITAL, WITH CONTRACTURES; Bethlem myopathy 1. Identifiers: Orphanet 610, MedGen CN029274, MONDO:0024530, OMIM 158810.

gnomAD v4.1: 10 of 1,611,492 alleles (0.00062%); highest among the groups gnomAD compares: South Asian, 0.0022%; no homozygotes.

Submission:

Labcorp Genetics (formerly Invitae), Labcorp
Classification: Uncertain significance for Bethlem myopathy 1A. Last evaluated: 2022-07-02. Review status: criteria provided, single submitter. Criteria: Invitae Variant Classification Sherloc (09022015). Collection method: clinical testing. Allele origin: germline.
Comment: This sequence change falls in intron 8 of the COL6A3 gene. It does not directly change the encoded amino acid sequence of the COL6A3 protein. It affects a nucleotide within the consensus splice site. This variant is present in population databases (no rsID available, gnomAD 0.007%). This variant has not been reported in the literature in individuals affected with COL6A3-related conditions. Variants that disrupt the consensus splice site are a relatively common cause of aberrant splicing (PMID: 17576681, 9536098). Algorithms developed to predict the effect of sequence changes on RNA splicing suggest that this variant is not likely to affect RNA splicing. In summary, the available evidence is currently insufficient to determine the role of this variant in disease. Therefore, it has been classified as a Variant of Uncertain Significance.

Literature cited by the submitters: PubMed 17576681; PubMed 9536098.

NM_004369.4(COL6A3):c.3679+5G>A

Gene: COL6A3 (collagen type VI alpha 3 chain; minus strand). Cytogenetic location: 2q37.3.
Variant type: single nucleotide variant.
Coding change: c.3679+5G>A on transcript NM_004369.4 (MANE Select); 5 bases into the intron after coding-DNA position 3679, G replaced by A.
Molecular consequence: intron variant.
Genome position (GRCh38, 1-based): chr2:237,374,407, C>T on the plus strand (G>A on the coding strand, the complement: COL6A3 is on the minus strand). VCF-style: chr2-237374407-C-T. GRCh37 (hg19) VCF-style: chr2-238283050-C-T.
Other names: c.1858+5G>A (NM_057166.5); c.3061+5G>A (NM_057167.4, NM_057165.5); c.2458+5G>A (NM_057164.5).
Identifiers: ClinVar variation 2199680 (VCV002199680.4), dbSNP rs138878144, ClinGen allele CA540749842.
Genomic context (GRCh38, chr2:237,374,407, plus strand): 5'-CACAGTCCAGACAAGTAGCCCCAGACAATGACACTGAGTGAGGATGCAAAGAGTTCCCTG[C>T]GTACCTGGGCTCGGTAGAGGCTGCAACACCGGCTGCAGCCTGCTCAGCTCCTCGCGGGTG-3'